The following is an entry in ClinVar:

ClinVar aggregate classification (germline): Uncertain significance (1 of 4 stars; one submission).

Submission:

Labcorp Genetics (formerly Invitae), Labcorp
Classification: Uncertain significance. Last evaluated: 2019-04-10. Review status: criteria provided, single submitter. Criteria: Invitae Variant Classification Sherloc (09022015). Collection method: clinical testing. Allele origin: germline.
Comment: This sequence change replaces alanine with threonine at codon 648 of the NEXMIF protein (p.Ala648Thr). The alanine residue is highly conserved and there is a small physicochemical difference between alanine and threonine. This variant is not present in population databases (ExAC no frequency). This variant has not been reported in the literature in individuals with NEXMIF-related conditions. Algorithms developed to predict the effect of missense changes on protein structure and function output the following: SIFT: "Tolerated"; PolyPhen-2: "Benign"; Align-GVGD: "Class C0". The threonine amino acid residue is found in multiple mammalian species, suggesting that this missense change does not adversely affect protein function. These predictions have not been confirmed by published functional studies and their clinical significance is uncertain. In summary, the available evidence is currently insufficient to determine the role of this variant in disease. Therefore, it has been classified as a Variant of Uncertain Significance.

NM_001008537.3(NEXMIF):c.1942G>A (p.Ala648Thr)

Gene: NEXMIF (neurite extension and migration factor; minus strand). Cytogenetic location: Xq13.3.
Variant type: single nucleotide variant.
Coding change: c.1942G>A on transcript NM_001008537.3 (MANE Select); coding-DNA position 1942, G replaced by A.
Protein change: p.Ala648Thr; replaces alanine 648 with threonine.
Molecular consequence: missense variant.
Genome position (GRCh38, 1-based): chrX:74,742,615, C>T on the plus strand (G>A on the coding strand, the complement: NEXMIF is on the minus strand). VCF-style: chrX-74742615-C-T. GRCh37 (hg19) VCF-style: chrX-73962450-C-T.
Other names: short protein forms A648T.
Identifiers: ClinVar variation 855947 (VCV000855947.1), dbSNP rs2080110354, ClinGen allele CA413669347.